The following is an entry in ClinVar:

NM_001164508.2(NEB):c.7003A>G (p.Met2335Val)

Gene: NEB (nebulin; minus strand). Cytogenetic location: 2q23.3.
Variant type: single nucleotide variant.
Coding change: c.7003A>G on transcript NM_001164508.2 (MANE Select); coding-DNA position 7003, A replaced by G.
Protein change: p.Met2335Val; replaces methionine 2335 with valine.
Molecular consequence: missense variant.
Genome position (GRCh38, 1-based): chr2:151,650,798, T>C on the plus strand (A>G on the coding strand, the complement: NEB is on the minus strand). VCF-style: chr2-151650798-T-C. GRCh37 (hg19) VCF-style: chr2-152507312-T-C.
Other names: c.7003A>G, p.Met2335Val (NM_001164507.2, NM_001271208.2, NM_004543.5); short protein forms M2335V.
Identifiers: ClinVar variation 2149658 (VCV002149658.4), dbSNP rs2552249960, ClinGen allele CA348790770.

ClinVar aggregate classification (germline): Uncertain significance (1 of 4 stars; one submission).

Conditions:
Nemaline myopathy 2 (NEM2). Also called: Nemaline myopathy 2, autosomal recessive. Identifiers: MedGen C1850569, MONDO:0009725, OMIM 256030.

Allele frequency attached by ClinVar (database versions not stated): gnomAD exomes below 0.00001.
gnomAD v4.1: 5 of 1,613,970 alleles (0.00031%); highest among the groups gnomAD compares: Non-Finnish European, 0.00042%; no homozygotes.

Submission:

Labcorp Genetics (formerly Invitae), Labcorp
Classification: Uncertain significance for Nemaline myopathy 2. Last evaluated: 2022-08-06. Review status: criteria provided, single submitter. Criteria: Invitae Variant Classification Sherloc (09022015). Collection method: clinical testing. Allele origin: germline.
Comment: In summary, the available evidence is currently insufficient to determine the role of this variant in disease. Therefore, it has been classified as a Variant of Uncertain Significance. Algorithms developed to predict the effect of missense changes on protein structure and function are either unavailable or do not agree on the potential impact of this missense change (SIFT: "Deleterious"; PolyPhen-2: "Not Available"; Align-GVGD: "Class C0"). This variant has not been reported in the literature in individuals affected with NEB-related conditions. This variant is not present in population databases (gnomAD no frequency). This sequence change replaces methionine, which is neutral and non-polar, with valine, which is neutral and non-polar, at codon 2335 of the NEB protein (p.Met2335Val).